The following is an entry in ClinVar:

ClinVar aggregate classification (germline): Pathogenic. Review status: criteria provided, multiple submitters, no conflicts (2 of 4 stars). 2 submissions from 2 submitters: Pathogenic (2). Last evaluated 2026-02-03.

Conditions:
Inborn genetic diseases. Identifiers: MedGen C0950123, MeSH D030342.

Submissions (2):

Ambry Genetics
Classification: Pathogenic for Inborn genetic diseases. Last evaluated: 2026-02-03. Review status: criteria provided, single submitter. Criteria: Ambry Variant Classification Scheme 2023. Collection method: clinical testing. Allele origin: germline.
Comment: The c.3067C>T (p.Q1023*) alteration, located in exon 26 (coding exon 26) of the SMARCC2 gene, consists of a C to T substitution at nucleotide position 3067. This changes the amino acid from a glutamine (Q) to a stop codon at amino acid position 1023. This variant is expected to result in loss of function by premature protein truncation or nonsense-mediated mRNA decay. This variant was not reported in population-based cohorts in the Genome Aggregation Database (gnomAD). Based on the available evidence, this alteration is classified as pathogenic.

GeneDx
Classification: Pathogenic. Last evaluated: 2025-04-14. Review status: criteria provided, single submitter. Criteria: GeneDx Variant Classification Process June 2021. Collection method: clinical testing. Allele origin: germline. Affected: yes.
Comment: Nonsense variant predicted to result in protein truncation or nonsense mediated decay in a gene for which loss of function is a known mechanism of disease; Not observed at significant frequency in large population cohorts (gnomAD); Has not been previously published as pathogenic or benign to our knowledge

NM_001330288.2(SMARCC2):c.3160C>T (p.Gln1054Ter)

Gene: SMARCC2 (SWI/SNF related BAF chromatin remodeling complex subunit C2; minus strand). Cytogenetic location: 12q13.2.
Variant type: single nucleotide variant.
Coding change: c.3160C>T on transcript NM_001330288.2 (MANE Select); coding-DNA position 3160, C replaced by T.
Protein change: p.Gln1054Ter; replaces glutamine 1054 with a stop codon.
Molecular consequence: nonsense.
Genome position (GRCh38, 1-based): chr12:56,165,390, G>A on the plus strand (C>T on the coding strand, the complement: SMARCC2 is on the minus strand). VCF-style: chr12-56165390-G-A. GRCh37 (hg19) VCF-style: chr12-56559174-G-A.
Other names: c.3160C>T, p.Gln1054Ter (NM_001130420.3, NM_139067.4); c.3067C>T, p.Gln1023Ter (NM_003075.5); short protein forms Q1023*, Q1054*.
Identifiers: ClinVar variation 4281958 (VCV004281958.2).
Genomic context (GRCh38, chr12:56,165,390, plus strand): 5'-GGGGGGGAACCCCTGGTGGGACTGCCCCAGGCTGGGGGGCTCCAGCTGGTTGCTGCTGCT[G>A]TGGCCCTGCAGTTGACCCTGCCTGCCCAATCTGTTCAGAAGGGCCCAAACTTCCTGGAGG-3'